The following is an entry in ClinVar:

ClinVar aggregate classification (germline): Uncertain significance (1 of 4 stars; one submission).

Conditions:
Hereditary cancer-predisposing syndrome. Also called: Neoplastic Syndromes, Hereditary; Tumor predisposition; Hereditary neoplastic syndrome; Hereditary Cancer Syndrome. Identifiers: Orphanet 140162, MedGen C0027672, MeSH D009386, MONDO:0015356.

Submission:

Ambry Genetics
Classification: Uncertain significance for Hereditary cancer-predisposing syndrome. Last evaluated: 2023-10-22. Review status: criteria provided, single submitter. Criteria: Ambry Variant Classification Scheme 2023. Collection method: clinical testing. Allele origin: germline.
Comment: The p.Q1031L variant (also known as c.3092A>T), located in coding exon 18 of the DICER1 gene, results from an A to T substitution at nucleotide position 3092. The glutamine at codon 1031 is replaced by leucine, an amino acid with dissimilar properties. This amino acid position is conserved. In addition, the in silico prediction for this alteration is inconclusive. Since supporting evidence is limited at this time, the clinical significance of this alteration remains unclear.

NM_177438.3(DICER1):c.3092A>T (p.Gln1031Leu)

Gene: DICER1 (dicer 1, ribonuclease III; minus strand). Cytogenetic location: 14q32.13.
Variant type: single nucleotide variant.
Coding change: c.3092A>T on transcript NM_177438.3 (MANE Select); coding-DNA position 3092, A replaced by T.
Protein change: p.Gln1031Leu; replaces glutamine 1031 with leucine.
Molecular consequence: missense variant. On other transcripts: non-coding transcript variant (6).
Genome position (GRCh38, 1-based): chr14:95,105,679, T>A on the plus strand (A>T on the coding strand, the complement: DICER1 is on the minus strand). VCF-style: chr14-95105679-T-A. GRCh37 (hg19) VCF-style: chr14-95572016-T-A.
Other names: c.3092A>T, p.Gln1031Leu (NM_001195573.1, NM_001271282.3, NM_001291628.2 and 13 more transcripts); c.2810A>T, p.Gln937Leu (NM_001395686.1); c.2687A>T, p.Gln896Leu (NM_001395687.1, NM_001395688.1, NM_001395689.1 and 2 more transcripts); c.2525A>T, p.Gln842Leu (NM_001395691.1); c.1409A>T, p.Gln470Leu (NM_001395697.1); short protein forms Q1031L, Q470L, Q842L, Q896L, Q937L.
Identifiers: ClinVar variation 3229358 (VCV003229358.1), dbSNP rs2542772334, ClinGen allele CA390877074.
Genomic context (GRCh38, chr14:95,105,679, plus strand): 5'-TTAATAATCTTTAATACTCAAACAAATACTAAGTTATGCTAGTACAATTAACTCATTACC[T>A]GTTTATTCTGCAGACTTTCCCATTTGGCTTTCCTCTTCTCAGCACTGCTTAAAGGAAGCG-3'
Protein context (NP_803187.1, residues 1021-1041): KAKWESLQNK[Gln1031Leu]ILVPELCAIH